The following is an entry in ClinVar:

NM_000255.4(MMUT):c.1970T>C (p.Val657Ala)

Gene: MMUT (methylmalonyl-CoA mutase; minus strand). Cytogenetic location: 6p12.3.
Variant type: single nucleotide variant.
Coding change: c.1970T>C on transcript NM_000255.4 (MANE Select); coding-DNA position 1970, T replaced by C.
Protein change: p.Val657Ala; replaces valine 657 with alanine.
Molecular consequence: missense variant.
Genome position (GRCh38, 1-based): chr6:49,435,610, A>G on the plus strand (T>C on the coding strand, the complement: MMUT is on the minus strand). VCF-style: chr6-49435610-A-G. GRCh37 (hg19) VCF-style: chr6-49403323-A-G.
Other names: short protein forms V657A.
Identifiers: ClinVar variation 1519718 (VCV001519718.4), dbSNP rs1767102899, ClinGen allele CA364394630.
Genomic context (GRCh38, chr6:49,435,610, plus strand): 5'-CCAGCAGCGAGGGTGCTTATGCCCACAGCATGCACATCCGCATCCACAGCCTGCTGGGCC[A>G]CTTCACGAGGAGTCTAAACAGTCAGAAAGTAAAGATAAATCATTGTTTATTACTAGATAA-3'
Protein context (NP_000246.2, residues 647-667): IGPLFQTPRE[Val657Ala]AQQAVDADVH

ClinVar aggregate classification (germline): Uncertain significance. Review status: criteria provided, multiple submitters, no conflicts (2 of 4 stars). 2 submissions from 2 submitters: Uncertain significance (2). Last evaluated 2022-09-07.

Conditions:
Methylmalonic aciduria due to methylmalonyl-CoA mutase deficiency (MAMM). Also called: Methylmalonic aciduria, mut type. Identifiers: Orphanet 27, MedGen C1855114, MONDO:0009612, OMIM 251000.

Allele frequency attached by ClinVar (database versions not stated): gnomAD exomes below 0.00001; gnomAD 0.00001.
gnomAD v4.1: 4 of 1,613,728 alleles (0.00025%); highest among the groups gnomAD compares: African/African-American, 0.004%; no homozygotes.

Submissions (2):

Labcorp Genetics (formerly Invitae), Labcorp
Classification: Uncertain significance. Last evaluated: 2022-09-07. Review status: criteria provided, single submitter. Criteria: Invitae Variant Classification Sherloc (09022015). Collection method: clinical testing. Allele origin: germline.
Comment: This sequence change replaces valine, which is neutral and non-polar, with alanine, which is neutral and non-polar, at codon 657 of the MUT protein (p.Val657Ala). This variant is not present in population databases (gnomAD no frequency). This variant has not been reported in the literature in individuals affected with MUT-related conditions. ClinVar contains an entry for this variant (Variation ID: 1519718). Algorithms developed to predict the effect of missense changes on protein structure and function (SIFT, PolyPhen-2, Align-GVGD) all suggest that this variant is likely to be tolerated. In summary, the available evidence is currently insufficient to determine the role of this variant in disease. Therefore, it has been classified as a Variant of Uncertain Significance.

Fulgent Genetics
Classification: Uncertain significance for Methylmalonic aciduria due to methylmalonyl-CoA mutase deficiency. Last evaluated: 2022-05-19. Review status: criteria provided, single submitter. Criteria: ACMG Guidelines, 2015. Collection method: clinical testing. Allele origin: unknown.